The following is an entry in ClinVar:

ClinVar aggregate classification (germline): Benign (1 of 4 stars; one submission).

Conditions:
Glycogen storage disease, type II (IOPD). Also called: Pompe Disease; CARDIOMEGALIA GLYCOGENICA DIFFUSA; GLYCOGENOSIS, GENERALIZED, CARDIAC FORM; GSD II; POMPE DISEASE, INFANTILE-ONSET; GLYCOGEN STORAGE DISEASE II, INFANTILE-ONSET. Identifiers: Orphanet 365, MedGen C0017921, MONDO:0009290, OMIM 232300.

gnomAD v4.1: 30,210 of 152,046 alleles (20%); highest among the groups gnomAD compares: Middle Eastern, 31%; 3,406 homozygotes.

Submission:

Genomenon, Inc
Classification: Benign for Glycogen storage disease, type II. Last evaluated: 2026-07-01. Review status: criteria provided, single submitter. Criteria: Genomenon Sequence Variant Interpretation Standards - Updated. Collection method: curation. Allele origin: germline. Affected: no.
Comment: GAA c.-32-1124C>T is an intronic variant located in the 5′ untranslated region (5′ UTR). This variant is present at high allele frequency in population databases. We classify GAA c.-32-1124C>T as a benign variant.

NM_000152.5(GAA):c.-32-1124C>T

Gene: GAA (alpha glucosidase; plus strand). Cytogenetic location: 17q25.3.
Variant type: single nucleotide variant.
Coding change: c.-32-1124C>T on transcript NM_000152.5 (MANE Select); 1124 bases into the intron before 32 bases upstream of the start codon, C replaced by T.
Molecular consequence: intron variant.
Genome position (GRCh38, 1-based): chr17:80,103,431, C>T. VCF-style: chr17-80103431-C-T. GRCh37 (hg19) VCF-style: chr17-78077230-C-T.
Other names: c.-32-1124C>T (NM_001406741.1, NM_001406742.1, NM_001079803.3 and 1 more transcripts).
Identifiers: ClinVar variation 4876291 (VCV004876291.1).